The following is an entry in ClinVar:

NM_182961.4(SYNE1):c.19136T>C (p.Leu6379Ser)

Gene: SYNE1 (spectrin repeat containing nuclear envelope protein 1; minus strand). Cytogenetic location: 6q25.2.
Variant type: single nucleotide variant.
Coding change: c.19136T>C on transcript NM_182961.4 (MANE Select); coding-DNA position 19136, T replaced by C.
Protein change: p.Leu6379Ser; replaces leucine 6379 with serine.
Molecular consequence: missense variant.
Genome position (GRCh38, 1-based): chr6:152,255,715, A>G on the plus strand (T>C on the coding strand, the complement: SYNE1 is on the minus strand). VCF-style: chr6-152255715-A-G. GRCh37 (hg19) VCF-style: chr6-152576850-A-G.
Other names: c.18923T>C, p.Leu6308Ser (NM_033071.5); short protein forms L6308S, L6379S.
Identifiers: ClinVar variation 842712 (VCV000842712.12), dbSNP rs777882357, ClinGen allele CA4054753.
Genomic context (GRCh38, chr6:152,255,715, plus strand): 5'-TCTTCAACGTCATCCAACCAAGTAGAGGTGGCTGAGACTCCATCATACAACTTCTGCTCC[A>G]AGTGTATACTCTGCCTCTTTGCCCCTCCACTCTGGGAAACACAAAACAGGGTCAAATAAT-3'
Protein context (NP_892006.3, residues 6369-6389): SGGAKRQSIH[Leu6379Ser]EQKLYDGVSA

ClinVar aggregate classification (germline): Uncertain significance. Review status: criteria provided, multiple submitters, no conflicts (2 of 4 stars). 2 submissions from 2 submitters: Uncertain significance (2). Last evaluated 2025-11-24.

Conditions:
Emery-Dreifuss muscular dystrophy 4, autosomal dominant (EDMD4). Also called: EMERY-DREIFUSS MUSCULAR DYSTROPHY 4 WITH VARIABLE FEATURES. Identifiers: Orphanet 261, MedGen C2751807, MONDO:0013071, OMIM 612998.
Autosomal recessive ataxia, Beauce type. Also called: Spinocerebellar ataxia, autosomal recessive 8; ATAXIA, RECESSIVE, OF BEAUCE; SYNE1-Related Autosomal Recessive Cerebellar Ataxia; SYNE1 Deficiency. Identifiers: Orphanet 88644, MedGen C1853116, MONDO:0012549, OMIM 610743.

Allele frequency attached by ClinVar (database versions not stated): ExAC 0.00001; gnomAD exomes 0.00001 and 0.00002; TOPMed 0.00001.
gnomAD v4.1: 5 of 1,614,208 alleles (0.00031%); highest among the groups gnomAD compares: Admixed American, 0.0083%; no homozygotes.

Submissions (2):

Labcorp Genetics (formerly Invitae), Labcorp
Classification: Uncertain significance for Emery-Dreifuss muscular dystrophy 4, autosomal dominant; Autosomal recessive ataxia, Beauce type. Last evaluated: 2025-11-24. Review status: criteria provided, single submitter. Criteria: Invitae Variant Classification Sherloc (09022015). Collection method: clinical testing. Allele origin: germline.
Comment: This sequence change replaces leucine, which is neutral and non-polar, with serine, which is neutral and polar, at codon 6308 of the SYNE1 protein (p.Leu6308Ser). This variant is present in population databases (rs777882357, gnomAD 0.01%). This variant has not been reported in the literature in individuals affected with SYNE1-related conditions. ClinVar contains an entry for this variant (Variation ID: 842712). An algorithm developed to predict the effect of missense changes on protein structure and function (PolyPhen-2) suggests that this variant is likely to be disruptive. In summary, the available evidence is currently insufficient to determine the role of this variant in disease. Therefore, it has been classified as a Variant of Uncertain Significance.

Revvity Omics, Revvity
Classification: Uncertain significance. Last evaluated: 2019-06-19. Review status: criteria provided, single submitter. Criteria: ACMG Guidelines, 2015. Collection method: clinical testing. Allele origin: germline.